The following is an entry in ClinVar:

ClinVar aggregate classification (germline): Uncertain significance (1 of 4 stars; one submission).

Allele frequency attached by ClinVar (database versions not stated): gnomAD exomes 0.00001.
gnomAD v4.1: 11 of 1,613,694 alleles (0.00068%); highest among the groups gnomAD compares: Non-Finnish European, 0.00093%; no homozygotes.

Submission:

Labcorp Genetics (formerly Invitae), Labcorp
Classification: Uncertain significance. Last evaluated: 2023-10-13. Review status: criteria provided, single submitter. Criteria: Invitae Variant Classification Sherloc (09022015). Collection method: clinical testing. Allele origin: germline.
Comment: This sequence change falls in intron 70 of the COL7A1 gene. It does not directly change the encoded amino acid sequence of the COL7A1 protein. It affects a nucleotide within the consensus splice site. This variant is not present in population databases (gnomAD no frequency). This variant has not been reported in the literature in individuals affected with COL7A1-related conditions. ClinVar contains an entry for this variant (Variation ID: 2084972). Variants that disrupt the consensus splice site are a relatively common cause of aberrant splicing (PMID: 17576681, 9536098). Algorithms developed to predict the effect of sequence changes on RNA splicing suggest that this variant may disrupt the consensus splice site. In summary, the available evidence is currently insufficient to determine the role of this variant in disease. Therefore, it has been classified as a Variant of Uncertain Significance.

Literature cited by the submitters: PubMed 17576681; PubMed 9536098.

NM_000094.4(COL7A1):c.5820+5G>A

Gene: COL7A1 (collagen type VII alpha 1 chain; minus strand). Cytogenetic location: 3p21.31.
Variant type: single nucleotide variant.
Coding change: c.5820+5G>A on transcript NM_000094.4 (MANE Select); 5 bases into the intron after coding-DNA position 5820, G replaced by A.
Molecular consequence: intron variant.
Genome position (GRCh38, 1-based): chr3:48,576,244, C>T on the plus strand (G>A on the coding strand, the complement: COL7A1 is on the minus strand). VCF-style: chr3-48576244-C-T. GRCh37 (hg19) VCF-style: chr3-48613677-C-T.
Identifiers: ClinVar variation 2084972 (VCV002084972.4), dbSNP rs2530991423, ClinGen allele CA2580070013.
Genomic context (GRCh38, chr3:48,576,244, plus strand): 5'-GATGGCAAGGTGGCCCCAATGGGCATGCAAAACAGAGTCAAGGGGACATCCCAAGCCTGG[C>T]TCACCGGCACACTTCCAGGCTCTCCTCGCAGGCCACGCTCTCCAGGGAGGCCCTGGAGAG-3'